The following is an entry in ClinVar:

NM_002528.7(NTHL1):c.634A>G (p.Lys212Glu)

Gene: NTHL1 (nth like DNA glycosylase 1; minus strand). Cytogenetic location: 16p13.3.
Variant type: single nucleotide variant.
Coding change: c.634A>G on transcript NM_002528.7 (MANE Select); coding-DNA position 634, A replaced by G.
Protein change: p.Lys212Glu; replaces lysine 212 with glutamic acid.
Molecular consequence: missense variant.
Genome position (GRCh38, 1-based): chr16:2,043,618, T>C on the plus strand (A>G on the coding strand, the complement: NTHL1 is on the minus strand). VCF-style: chr16-2043618-T-C. GRCh37 (hg19) VCF-style: chr16-2093619-T-C.
Other names: c.463A>G, p.Lys155Glu (NM_001318193.2); c.304A>G, p.Lys102Glu (NM_001318194.2); short protein forms K212E, K155E, K102E.
Identifiers: ClinVar variation 3676927 (VCV003676927.2).

ClinVar aggregate classification (germline): Uncertain significance (1 of 4 stars; one submission).

Submission:

Labcorp Genetics (formerly Invitae), Labcorp
Classification: Uncertain significance. Last evaluated: 2025-02-02. Review status: criteria provided, single submitter. Criteria: Invitae Variant Classification Sherloc (09022015). Collection method: clinical testing. Allele origin: germline.
Comment: This sequence change replaces lysine, which is basic and polar, with glutamic acid, which is acidic and polar, at codon 220 of the NTHL1 protein (p.Lys220Glu). This variant is not present in population databases (gnomAD no frequency). This variant has not been reported in the literature in individuals affected with NTHL1-related conditions. An algorithm developed to predict the effect of missense changes on protein structure and function (PolyPhen-2) suggests that this variant is likely to be disruptive. In summary, the available evidence is currently insufficient to determine the role of this variant in disease. Therefore, it has been classified as a Variant of Uncertain Significance.